The following is an entry in ClinVar:

NM_001571.6(IRF3):c.432G>C (p.Leu144=)

Gene: IRF3 (interferon regulatory factor 3; minus strand). Cytogenetic location: 19q13.33.
Variant type: single nucleotide variant.
Coding change: c.432G>C on transcript NM_001571.6 (MANE Select); coding-DNA position 432, G replaced by C.
Protein change: p.Leu144=; no amino-acid change (leucine 144 retained).
Molecular consequence: synonymous variant. On other transcripts: 5 prime UTR variant (4), non-coding transcript variant (1).
Genome position (GRCh38, 1-based): chr19:49,662,594, C>G on the plus strand (G>C on the coding strand, the complement: IRF3 is on the minus strand). VCF-style: chr19-49662594-C-G. GRCh37 (hg19) VCF-style: chr19-50165851-C-G.
Other names: c.432G>C, p.Leu144= (NM_001197122.2, NM_001197124.2); c.327G>C, p.Leu109= (NM_001197123.2); c.-7G>C (NM_001197125.2, NM_001197126.2, NM_001197127.2 and 1 more transcripts).
Identifiers: ClinVar variation 781472 (VCV000781472.7), dbSNP rs74980832, ClinGen allele CA9580431.

ClinVar aggregate classification (germline): Benign/Likely benign. Review status: criteria provided, multiple submitters, no conflicts (2 of 4 stars). 4 submissions from 4 submitters: Benign (2); Likely benign (1). 1 of the submissions does not count toward it. Last evaluated 2022-05-11.

Conditions:
Encephalopathy, acute, infection-induced (herpes-specific), susceptibility to, 7 (IIAE7). Identifiers: Orphanet 1930, MedGen C4225294, MONDO:0014680, OMIM 616532.
IRF3-related disorder. Also called: IRF3-related condition.

Allele frequency attached by ClinVar (database versions not stated): gnomAD 0.01444 and 0.01556; 1000 Genomes Project 30x 0.01749; ExAC 0.00612; 1000 Genomes Project 0.01597; TOPMed 0.01602; gnomAD exomes 0.00123 and 0.00356; ESP Exome Variant Server 0.01354.

Submissions (4):

Fulgent Genetics
Classification: Likely benign for Encephalopathy, acute, infection-induced (herpes-specific), susceptibility to, 7. Last evaluated: 2022-05-11. Review status: criteria provided, single submitter. Criteria: ACMG Guidelines, 2015. Collection method: clinical testing. Allele origin: unknown.

Labcorp Genetics (formerly Invitae), Labcorp
Classification: Benign. Last evaluated: 2018-08-16. Review status: criteria provided, single submitter. Criteria: Invitae Variant Classification Sherloc (09022015). Collection method: clinical testing. Allele origin: germline.

Breakthrough Genomics
Classification: Benign. Review status: criteria provided, single submitter. Criteria: ACMG Guidelines, 2015. Collection method: not provided. Allele origin: germline. Inheritance: Autosomal dominant inheritance. Affected: yes.

PreventionGenetics, part of Exact Sciences
Classification: Benign for IRF3-related condition. Last evaluated: 2019-07-08. Review status: no assertion criteria provided. Collection method: clinical testing. Allele origin: germline. Not counted in ClinVar's aggregate classification.
Comment: This variant is classified as benign based on ACMG/AMP sequence variant interpretation guidelines (Richards et al. 2015 PMID: 25741868, with internal and published modifications).